The following is an entry in ClinVar:

ClinVar aggregate classification (germline): Uncertain significance (1 of 4 stars; one submission).

Submission:

GeneDx
Classification: Uncertain significance. Last evaluated: 2025-08-15. Review status: criteria provided, single submitter. Criteria: GeneDx Variant Classification Process June 2021. Collection method: clinical testing. Allele origin: germline. Affected: yes.
Comment: Not observed at significant frequency in large population cohorts (gnomAD); In silico analysis suggests that this missense variant does not alter protein structure/function; Has not been previously published as pathogenic or benign to our knowledge

NM_001003694.2(BRPF1):c.351T>A (p.Asp117Glu)

Gene: BRPF1 (bromodomain and PHD finger containing 1; plus strand). Cytogenetic location: 3p25.3.
Variant type: single nucleotide variant.
Coding change: c.351T>A on transcript NM_001003694.2 (MANE Select); coding-DNA position 351, T replaced by A.
Protein change: p.Asp117Glu; replaces aspartic acid 117 with glutamic acid.
Molecular consequence: missense variant. On other transcripts: non-coding transcript variant (1).
Genome position (GRCh38, 1-based): chr3:9,734,491, T>A. VCF-style: chr3-9734491-T-A. GRCh37 (hg19) VCF-style: chr3-9776175-T-A.
Other names: c.351T>A, p.Asp117Glu (NM_001319049.2, NM_001319050.2, NM_001410704.1 and 7 more transcripts); short protein forms D117E.
Identifiers: ClinVar variation 4795766 (VCV004795766.1).
Genomic context (GRCh38, chr3:9,734,491, plus strand): 5'-CATGGTGGAGGTGGACTTGCATGGCCGCGTCCACCGCATCAGCATCTTTGACAACCTGGA[T>A]GTGGTGTCAGAGGATGAGGAAGCCCCCGAGGAGGCCCCTGAGAATGGCAGCAACAAGGAG-3'
Protein context (NP_001003694.1, residues 107-127): VHRISIFDNL[Asp117Glu]VVSEDEEAPE